The following is an entry in ClinVar:

ClinVar aggregate classification (germline): Likely benign. Review status: criteria provided, multiple submitters, no conflicts (2 of 4 stars). 3 submissions from 3 submitters: Likely benign (3). Last evaluated 2025-04-28.

Allele frequency attached by ClinVar (database versions not stated): gnomAD 0.00001 and 0.00002; gnomAD exomes 0.00001; ExAC 0.00002; TOPMed 0.00002.
gnomAD v4.1: 10 of 1,614,060 alleles (0.00062%); highest among the groups gnomAD compares: Non-Finnish European, 0.00076%; no homozygotes.

Submissions (3):

Labcorp Genetics (formerly Invitae), Labcorp
Classification: Likely benign. Last evaluated: 2025-04-28. Review status: criteria provided, single submitter. Criteria: Invitae Variant Classification Sherloc (09022015). Collection method: clinical testing. Allele origin: germline.

CeGaT Center for Human Genetics Tuebingen
Classification: Likely benign. Last evaluated: 2025-02-01. Review status: criteria provided, single submitter. Criteria: CeGaT Center For Human Genetics Tuebingen Variant Classification Criteria Version 2. Collection method: clinical testing. Allele origin: germline. Affected: yes. Observed: 1 variant allele.
Comment: CTNNB1: BP4

Blueprint Genetics
Classification: Likely benign. Last evaluated: 2022-08-23. Review status: criteria provided, single submitter. Criteria: ACMG Guidelines, 2015. Collection method: clinical testing. Allele origin: germline.

NM_001904.4(CTNNB1):c.1281C>T (p.Leu427=)

Genes: CTNNB1 (catenin beta 1; plus strand), LOC126806659 (BRD4-independent group 4 enhancer GRCh37_chr3:41274918-41276117; plus strand). Cytogenetic location: 3p22.1.
Variant type: single nucleotide variant.
Coding change: c.1281C>T on transcript NM_001904.4 (MANE Select); coding-DNA position 1281, C replaced by T.
Protein change: p.Leu427=; no amino-acid change (leucine 427 retained).
Molecular consequence: synonymous variant.
Genome position (GRCh38, 1-based): chr3:41,233,624, C>T. VCF-style: chr3-41233624-C-T. GRCh37 (hg19) VCF-style: chr3-41275115-C-T.
Other names: c.1281C>T, p.Leu427= (NM_001098209.2, NM_001098210.2); c.1260C>T, p.Leu420= (NM_001330729.2).
Identifiers: ClinVar variation 725934 (VCV000725934.21), dbSNP rs780520120, ClinGen allele CA2331062.